The following is an entry in ClinVar:

NM_001110556.2(FLNA):c.5217G>T (p.Thr1739=)

Gene: FLNA (filamin A; minus strand). Cytogenetic location: Xq28.
Variant type: single nucleotide variant.
Coding change: c.5217G>T on transcript NM_001110556.2 (MANE Select); coding-DNA position 5217, G replaced by T.
Protein change: p.Thr1739=; no amino-acid change (threonine 1739 retained).
Molecular consequence: synonymous variant.
Genome position (GRCh38, 1-based): chrX:154,354,825, C>A on the plus strand (G>T on the coding strand, the complement: FLNA is on the minus strand). VCF-style: chrX-154354825-C-A. GRCh37 (hg19) VCF-style: chrX-153583193-C-A.
Other names: c.5193G>T, p.Thr1731= (NM_001456.4).
Identifiers: ClinVar variation 3756733 (VCV003756733.3).

ClinVar aggregate classification (germline): Uncertain significance (1 of 4 stars; one submission).

Conditions:
Melnick-Needles syndrome (MNS). Also called: MELNICK-NEEDLES OSTEODYSPLASTY; OSTEODYSPLASTY OF MELNICK AND NEEDLES; Melnick-Needles Syndrome (FLNA-MNS). Identifiers: Orphanet 2484, MedGen C0025237, MONDO:0010650, OMIM 309350.
Frontometaphyseal dysplasia (FMD1). Identifiers: Orphanet 1826, MedGen C0265293, MONDO:0015942.
Heterotopia, periventricular, X-linked dominant (PVNH1). Also called: PERIVENTRICULAR NODULAR HETEROTOPIA 1; X-linked periventricular heterotopia; PERIVENTRICULAR NODULAR HETEROTOPIA 4; HETEROTOPIA, PERIVENTRICULAR, 1. Identifiers: Orphanet 2149, Orphanet 82004, MedGen C1848213, MONDO:0010233, OMIM 300049.
Oto-palato-digital syndrome, type II (OPD2). Also called: FACIOPALATOOSSEOUS SYNDROME; OPD II SYNDROME; Otopalatodigital Syndrome, Type II; Otopalatodigital Syndrome Type 2 (FLNA-OPD2). Identifiers: Orphanet 669, Orphanet 90652, MedGen C1844696, MONDO:0010571, OMIM 304120.

Submissions (2):

Labcorp Genetics (formerly Invitae), Labcorp
Classification: Uncertain significance for Oto-palato-digital syndrome, type II; Heterotopia, periventricular, X-linked dominant; Frontometaphyseal dysplasia; Melnick-Needles syndrome. Last evaluated: 2024-06-08. Review status: criteria provided, single submitter. Criteria: Invitae Variant Classification Sherloc (09022015). Collection method: clinical testing. Allele origin: germline.
Comment: This sequence change affects codon 1731 of the FLNA mRNA. It is a 'silent' change, meaning that it does not change the encoded amino acid sequence of the FLNA protein. This variant also falls at the last nucleotide of exon 30, which is part of the consensus splice site for this exon. This variant is not present in population databases (gnomAD no frequency). This variant has not been reported in the literature in individuals affected with FLNA-related conditions. Variants that disrupt the consensus splice site are a relatively common cause of aberrant splicing (PMID: 17576681, 9536098). Algorithms developed to predict the effect of sequence changes on RNA splicing suggest that this variant may disrupt the consensus splice site. This variant disrupts the c.5193G nucleotide in the FLNA gene. Other variant(s) that disrupt this nucleotide have been determined to be pathogenic (PMID: 20598277, 26061098, 30561107, 31919883). This suggests that this nucleotide is clinically significant, and that variants that disrupt this position are likely to be disease-causing. In summary, the available evidence is currently insufficient to determine the role of this variant in disease. Therefore, it has been classified as a Variant of Uncertain Significance.

Dr. Peter K. Rogan Lab, Western University
No classification provided (evidence only). Condition: Thyroid cancer, nonmedullary, 1. Review status: no classification provided. Collection method: in vitro. Allele origin: not applicable. Functional consequence: retained intron. Not counted in ClinVar's aggregate classification.

Literature cited by the submitters: PubMed 17576681 (cited by Labcorp Genetics (formerly Invitae), Labcorp); PubMed 9536098 (cited by Labcorp Genetics (formerly Invitae), Labcorp); PubMed 20598277 (cited by Labcorp Genetics (formerly Invitae), Labcorp); PubMed 26061098 (cited by Labcorp Genetics (formerly Invitae), Labcorp); PubMed 30561107 (cited by Labcorp Genetics (formerly Invitae), Labcorp); PubMed 31919883 (cited by Labcorp Genetics (formerly Invitae), Labcorp).